The following is an entry in ClinVar:

ClinVar aggregate classification (germline): Uncertain significance. Review status: criteria provided, multiple submitters, no conflicts (2 of 4 stars). 2 submissions from 2 submitters: Uncertain significance (2). Last evaluated 2023-09-27.

Conditions:
Colorectal cancer, hereditary nonpolyposis, type 7. Identifiers: Orphanet 144, MedGen C1858380, MONDO:0013725, OMIM 614385.

Allele frequency attached by ClinVar (database versions not stated): gnomAD exomes below 0.00001; gnomAD 0.00001.

Submissions (2):

Ambry Genetics
Classification: Uncertain significance. Last evaluated: 2023-09-27. Review status: criteria provided, single submitter. Criteria: Ambry Variant Classification Scheme 2023. Collection method: clinical testing. Allele origin: germline.
Comment: The p.Q1045R variant (also known as c.3134A>G), located in coding exon 1 of the MLH3 gene, results from an A to G substitution at nucleotide position 3134. The glutamine at codon 1045 is replaced by arginine, an amino acid with highly similar properties. This amino acid position is conserved. In addition, this alteration is predicted to be tolerated by in silico analysis. Since supporting evidence is limited at this time, the clinical significance of this alteration remains unclear.

Labcorp Genetics (formerly Invitae), Labcorp
Classification: Uncertain significance for Colorectal cancer, hereditary nonpolyposis, type 7. Last evaluated: 2021-04-27. Review status: criteria provided, single submitter. Criteria: Invitae Variant Classification Sherloc (09022015). Collection method: clinical testing. Allele origin: germline.
Comment: This sequence change replaces glutamine with arginine at codon 1045 of the MLH3 protein (p.Gln1045Arg). The glutamine residue is weakly conserved and there is a small physicochemical difference between glutamine and arginine. This variant is not present in population databases (ExAC no frequency). This variant has not been reported in the literature in individuals with MLH3-related conditions. Algorithms developed to predict the effect of missense changes on protein structure and function are either unavailable or do not agree on the potential impact of this missense change (SIFT: "Deleterious"; PolyPhen-2: "Benign"; Align-GVGD: "Class C0"). In summary, the available evidence is currently insufficient to determine the role of this variant in disease. Therefore, it has been classified as a Variant of Uncertain Significance.

NM_001040108.2(MLH3):c.3134A>G (p.Gln1045Arg)

Gene: MLH3 (mutL homolog 3; minus strand). Cytogenetic location: 14q24.3.
Variant type: single nucleotide variant.
Coding change: c.3134A>G on transcript NM_001040108.2 (MANE Select); coding-DNA position 3134, A replaced by G.
Protein change: p.Gln1045Arg; replaces glutamine 1045 with arginine.
Molecular consequence: missense variant.
Genome position (GRCh38, 1-based): chr14:75,046,522, T>C on the plus strand (A>G on the coding strand, the complement: MLH3 is on the minus strand). VCF-style: chr14-75046522-T-C. GRCh37 (hg19) VCF-style: chr14-75513225-T-C.
Other names: c.3134A>G (NM_001040108.1); c.3134A>G, p.Gln1045Arg (NM_014381.3); short protein forms Q1045R.
Identifiers: ClinVar variation 1373494 (VCV001373494.9), dbSNP rs1421629305, ClinGen allele CA390435983.